The following is an entry in ClinVar:

NM_001367916.1(MAGT1):c.596T>C (p.Ile199Thr)

Gene: MAGT1 (magnesium transporter 1; minus strand). Cytogenetic location: Xq21.1.
Variant type: single nucleotide variant.
Coding change: c.596T>C on transcript NM_001367916.1 (MANE Select); coding-DNA position 596, T replaced by C.
Protein change: p.Ile199Thr; replaces isoleucine 199 with threonine.
Molecular consequence: missense variant.
Genome position (GRCh38, 1-based): chrX:77,856,809, A>G on the plus strand (T>C on the coding strand, the complement: MAGT1 is on the minus strand). VCF-style: chrX-77856809-A-G. GRCh37 (hg19) VCF-style: chrX-77112306-A-G.
Other names: c.692T>C, p.Ile231Thr (NM_032121.5); short protein forms I231T, I199T.
Identifiers: ClinVar variation 1511807 (VCV001511807.7), dbSNP rs1426800096, ClinGen allele CA413713747.

ClinVar aggregate classification (germline): Uncertain significance (1 of 4 stars; one submission).

Conditions:
X-linked immunodeficiency with magnesium defect, Epstein-Barr virus infection and neoplasia. Identifiers: Orphanet 317476, MedGen C3275445, MONDO:0010455, OMIM 300853.

Allele frequency attached by ClinVar (database versions not stated): gnomAD exomes 0.00001; TOPMed 0.00002.
gnomAD v4.1: 12 of 1,207,012 alleles (0.00099%); highest among the groups gnomAD compares: East Asian, 0.0059%; no homozygotes.

Submission:

Labcorp Genetics (formerly Invitae), Labcorp
Classification: Uncertain significance for X-linked immunodeficiency with magnesium defect, Epstein-Barr virus infection and neoplasia. Last evaluated: 2025-10-14. Review status: criteria provided, single submitter. Criteria: Invitae Variant Classification Sherloc (09022015). Collection method: clinical testing. Allele origin: germline.
Comment: This sequence change replaces isoleucine, which is neutral and non-polar, with threonine, which is neutral and polar, at codon 231 of the MAGT1 protein (p.Ile231Thr). This variant is not present in population databases (gnomAD no frequency). This missense change has been observed in individual(s) with hemophagocytic lymphohistiocytosis (PMID: 28353193). ClinVar contains an entry for this variant (Variation ID: 1511807). Invitae Evidence Modeling of protein sequence and biophysical properties (such as structural, functional, and spatial information, amino acid conservation, physicochemical variation, residue mobility, and thermodynamic stability) indicates that this missense variant is not expected to disrupt MAGT1 protein function with a negative predictive value of 80%. In summary, the available evidence is currently insufficient to determine the role of this variant in disease. Therefore, it has been classified as a Variant of Uncertain Significance.

Literature cited by the submitters: PubMed 28353193.